The following is an entry in ClinVar:

NM_000093.5(COL5A1):c.4955-28T>C

Genes: COL5A1 (collagen type V alpha 1 chain; plus strand), LOC101448202 (uncharacterized LOC101448202; minus strand). Cytogenetic location: 9q34.3.
Variant type: single nucleotide variant.
Coding change: c.4955-28T>C on transcript NM_000093.5 (MANE Select); 28 bases into the intron before coding-DNA position 4955, T replaced by C.
Molecular consequence: intron variant.
Genome position (GRCh38, 1-based): chr9:134,825,764, T>C. VCF-style: chr9-134825764-T-C. GRCh37 (hg19) VCF-style: chr9-137717610-T-C.
Other names: c.4955-28T>C (NM_001278074.1).
Identifiers: ClinVar variation 255092 (VCV000255092.6), dbSNP rs7868111, ClinGen allele CA5320529.

ClinVar aggregate classification (germline): Benign. Review status: criteria provided, multiple submitters, no conflicts (2 of 4 stars). 5 submissions from 4 submitters: Benign (5). Last evaluated 2021-07-30.

Conditions:
Fibromuscular dysplasia, multifocal. Identifiers: MedGen C5543412, MONDO:0859151, OMIM 619329.
Ehlers-Danlos syndrome, classic type, 1 (EDSCL1). Also called: Ehlers-Danlos Syndrome, Classic Type, COL5A1-Related; EHLERS-DANLOS SYNDROME, GRAVIS TYPE; EHLERS-DANLOS SYNDROME, SEVERE CLASSIC TYPE; Ehlers-Danlos syndrome, type 1; EDS I. Identifiers: MedGen C0268335, MONDO:0019567, OMIM 130000.

Allele frequency attached by ClinVar (database versions not stated): gnomAD 0.71337 and 0.71059; gnomAD exomes 0.72016; ESP Exome Variant Server 0.71198; ExAC 0.72580; TOPMed 0.71455; 1000 Genomes Project 0.74601; 1000 Genomes Project 30x 0.74750.
gnomAD v4.1: 1,054,664 of 1,488,796 alleles (71%); highest among the groups gnomAD compares: South Asian, 79%; 374,572 homozygotes.

Submissions (5):

Genome-Nilou Lab
Classification: Benign for Ehlers-Danlos syndrome, classic type, 1. Last evaluated: 2021-07-30. Review status: criteria provided, single submitter. Criteria: ACMG Guidelines, 2015. Collection method: clinical testing. Allele origin: germline. Affected: no.

Genome-Nilou Lab
Classification: Benign for Fibromuscular dysplasia, multifocal. Last evaluated: 2021-07-30. Review status: criteria provided, single submitter. Criteria: ACMG Guidelines, 2015. Collection method: clinical testing. Allele origin: germline. Affected: no.

GeneDx
Classification: Benign. Last evaluated: 2018-06-14. Review status: criteria provided, single submitter. Criteria: GeneDx Variant Classification (06012015). Collection method: clinical testing. Allele origin: germline. Affected: yes.
Comment: This variant is considered likely benign or benign based on one or more of the following criteria: it is a conservative change, it occurs at a poorly conserved position in the protein, it is predicted to be benign by multiple in silico algorithms, and/or has population frequency not consistent with disease.

Breakthrough Genomics
Classification: Benign. Review status: criteria provided, single submitter. Criteria: ACMG Guidelines, 2015. Collection method: not provided. Allele origin: germline. Inheritance: Autosomal dominant inheritance. Affected: yes.

PreventionGenetics, part of Exact Sciences
Classification: Benign. Review status: criteria provided, single submitter. Criteria: ACMG Guidelines, 2015. Collection method: clinical testing. Allele origin: germline.